The following is an entry in ClinVar:

ClinVar aggregate classification (germline): Uncertain significance (1 of 4 stars; one submission).

Submission:

Ambry Genetics
Classification: Uncertain significance. Last evaluated: 2025-10-11. Review status: criteria provided, single submitter. Criteria: Ambry Variant Classification Scheme 2023. Collection method: clinical testing. Allele origin: germline.
Comment: The p.L1255R variant (also known as c.3764T>G), located in coding exon 7 of the MLH3 gene, results from a T to G substitution at nucleotide position 3764. The leucine at codon 1255 is replaced by arginine, an amino acid with dissimilar properties. This amino acid position is conserved. In addition, the in silico prediction for this alteration is inconclusive. Based on the available evidence, the clinical significance of this variant remains unclear.

NM_001040108.2(MLH3):c.3764T>G (p.Leu1255Arg)

Gene: MLH3 (mutL homolog 3; minus strand). Cytogenetic location: 14q24.3.
Variant type: single nucleotide variant.
Coding change: c.3764T>G on transcript NM_001040108.2 (MANE Select); coding-DNA position 3764, T replaced by G.
Protein change: p.Leu1255Arg; replaces leucine 1255 with arginine.
Molecular consequence: missense variant.
Genome position (GRCh38, 1-based): chr14:75,032,131, A>C on the plus strand (T>G on the coding strand, the complement: MLH3 is on the minus strand). VCF-style: chr14-75032131-A-C. GRCh37 (hg19) VCF-style: chr14-75498834-A-C.
Other names: c.3692T>G, p.Leu1231Arg (NM_014381.3); short protein forms L1231R, L1255R.
Identifiers: ClinVar variation 4552087 (VCV004552087.1).